The following is an entry in ClinVar:

NM_000455.5(STK11):c.597+11G>T

Gene: STK11 (serine/threonine kinase 11; plus strand). Cytogenetic location: 19p13.3.
Variant type: single nucleotide variant.
Coding change: c.597+11G>T on transcript NM_000455.5 (MANE Select); 11 bases into the intron after coding-DNA position 597, G replaced by T.
Molecular consequence: intron variant.
Genome position (GRCh38, 1-based): chr19:1,220,516, G>T. VCF-style: chr19-1220516-G-T. GRCh37 (hg19) VCF-style: chr19-1220515-G-T.
Identifiers: ClinVar variation 492537 (VCV000492537.12), dbSNP rs770719299, ClinGen allele CA048168.

ClinVar aggregate classification (germline): Likely benign. Review status: criteria provided, multiple submitters, no conflicts (2 of 4 stars). 4 submissions from 4 submitters: Likely benign (4). Last evaluated 2025-12-29.

Conditions:
Hereditary cancer-predisposing syndrome. Also called: Tumor predisposition; Neoplastic Syndromes, Hereditary; Hereditary Cancer Syndrome; Hereditary neoplastic syndrome. Identifiers: Orphanet 140162, MedGen C0027672, MeSH D009386, MONDO:0015356.
Peutz-Jeghers syndrome (PJS). Also called: POLYPOSIS, HAMARTOMATOUS INTESTINAL; POLYPS-AND-SPOTS SYNDROME; Peutz-Jeghers polyposis; Periorificial lentiginosis syndrome. Identifiers: Orphanet 2869, MedGen C0031269, MeSH D010580, MONDO:0008280, OMIM 175200.

Allele frequency attached by ClinVar (database versions not stated): gnomAD 0.00001; gnomAD exomes 0.00001 and 0.00002; TOPMed 0.00001; ExAC 0.00003.
gnomAD v4.1: 9 of 1,595,940 alleles (0.00056%); highest among the groups gnomAD compares: East Asian, 0.02%; no homozygotes.

Submissions (4):

Center for Genomic Medicine, Rigshospitalet, Copenhagen University Hospital
Classification: Likely benign. Last evaluated: 2025-12-29. Review status: criteria provided, single submitter. Criteria: ACMG Guidelines, 2015. Collection method: clinical testing. Allele origin: germline.

Labcorp Genetics (formerly Invitae), Labcorp
Classification: Likely benign for Peutz-Jeghers syndrome. Last evaluated: 2025-11-27. Review status: criteria provided, single submitter. Criteria: Invitae Variant Classification Sherloc (09022015). Collection method: clinical testing. Allele origin: germline.

Color Diagnostics, LLC DBA Color Health
Classification: Likely benign for Hereditary cancer-predisposing syndrome. Last evaluated: 2017-05-22. Review status: criteria provided, single submitter. Criteria: ACMG Guidelines, 2015. Collection method: clinical testing. Allele origin: germline.

GeneDx
Classification: Likely benign. Last evaluated: 2017-03-13. Review status: criteria provided, single submitter. Criteria: GeneDx Variant Classification (06012015). Collection method: clinical testing. Allele origin: germline. Affected: yes.
Comment: This variant is considered likely benign or benign based on one or more of the following criteria: it is a conservative change, it occurs at a poorly conserved position in the protein, it is predicted to be benign by multiple in silico algorithms, and/or has population frequency not consistent with disease.